The following is an entry in ClinVar:

NM_198904.4(GABRG2):c.922+6A>G

Gene: GABRG2 (gamma-aminobutyric acid type A receptor subunit gamma2; plus strand). Cytogenetic location: 5q34.
Variant type: single nucleotide variant.
Coding change: c.922+6A>G on transcript NM_198904.4 (MANE Select); 6 bases into the intron after coding-DNA position 922, A replaced by G.
Molecular consequence: intron variant.
Genome position (GRCh38, 1-based): chr5:162,142,322, A>G. VCF-style: chr5-162142322-A-G. GRCh37 (hg19) VCF-style: chr5-161569328-A-G.
Other names: c.922+6A>G (NM_000816.3, NM_001375340.1); c.637+6A>G (NM_001375349.1); c.1042+6A>G (NM_001375343.1, NM_198903.2); c.961+6A>G (NM_001375344.1); c.919+6A>G (NM_001375341.1, NM_001375342.1); c.502+6A>G (NM_001375350.1, NM_001375348.1); c.913+6A>G (NM_001375339.1); c.856+6A>G (NM_001375346.1, NM_001375345.1); and 1 more.
Identifiers: ClinVar variation 205533 (VCV000205533.25), dbSNP rs375294947, ClinGen allele CA314694.
Genomic context (GRCh38, chr5:162,142,322, plus strand): 5'-TCCTGGGTGTCTTTCTGGATCAATAAGGATGCTGTTCCAGCCAGAACATCTTTAGGTGAG[A>G]CACCTTTGTTTATGTTGCAGTTTCTCAAGATAAGTACCAAATACAAGTAATTTTTATGTC-3'

ClinVar aggregate classification (germline): Conflicting classifications of pathogenicity. Review status: criteria provided, conflicting classifications (1 of 4 stars). 8 submissions from 8 submitters: Uncertain significance (1); Benign (1); Likely benign (6). Last evaluated 2026-05-04.

Conditions:
GABRG2-related disorder. Also called: GABRG2-related condition.
EPILEPSY, CHILDHOOD ABSENCE, SUSCEPTIBILITY TO, 2 (ECA2). Identifiers: Orphanet 64280, MedGen C1843244, OMIM 607681.
Febrile seizures, familial, 8 (FEB8). Also called: CONVULSIONS, FAMILIAL FEBRILE, 8. Identifiers: Orphanet 36387, MedGen C1969810, MONDO:0011891, OMIM 607681.

Allele frequency attached by ClinVar (database versions not stated): 1000 Genomes Project 30x 0.00016; ExAC 0.00016; gnomAD exomes 0.00016 and 0.00056; TOPMed 0.00019; gnomAD 0.00021 and 0.00023; ESP Exome Variant Server 0.00023.
gnomAD v4.1: 826 of 1,613,934 alleles (0.051%); highest among the groups gnomAD compares: Non-Finnish European, 0.068%; no homozygotes.

Submissions (8):

Women's Health and Genetics/Laboratory Corporation of America, LabCorp
Classification: Likely benign. Last evaluated: 2026-05-04. Review status: criteria provided, single submitter. Criteria: LabCorp Variant Classification Summary - May 2015. Collection method: clinical testing. Allele origin: germline.
Comment: Variant summary: GABRG2 c.1042+6A>G alters a nucleotide located close to a canonical splice site and therefore could affect mRNA splicing, leading to a significantly altered protein sequence. Consensus agreement among computation tools predict no significant impact on normal splicing. However, these predictions have yet to be confirmed by functional studies. The variant allele was found at a frequency of 0.00016 in 251382 control chromosomes (gnomAD). The occurrence of the variant in many unaffected controls suggests it is a benign polymorphism. To our knowledge, no occurrence of c.1042+6A>G in individuals affected with GABRG2-related conditions and no experimental evidence demonstrating its impact on protein function have been reported. ClinVar contains an entry for this variant (Variation ID: 205533). Based on the evidence outlined above, the variant was classified as likely benign.

CeGaT Center for Human Genetics Tuebingen
Classification: Likely benign. Last evaluated: 2026-05-01. Review status: criteria provided, single submitter. Criteria: CeGaT Center For Human Genetics Tuebingen Variant Classification Criteria Version 2. Collection method: clinical testing. Allele origin: germline. Affected: yes. Observed: 2 variant alleles.
Comment: GABRG2: BP4

Labcorp Genetics (formerly Invitae), Labcorp
Classification: Likely benign for Febrile seizures, familial, 8; EPILEPSY, CHILDHOOD ABSENCE, SUSCEPTIBILITY TO, 2. Last evaluated: 2025-11-15. Review status: criteria provided, single submitter. Criteria: Invitae Variant Classification Sherloc (09022015). Collection method: clinical testing. Allele origin: germline.

PreventionGenetics, part of Exact Sciences
Classification: Likely benign for GABRG2-related condition. Last evaluated: 2024-11-22. Review status: criteria provided, single submitter. Criteria: ACMG Guidelines, 2015. Collection method: clinical testing. Allele origin: germline.
Comment: This variant is classified as likely benign based on ACMG/AMP sequence variant interpretation guidelines (Richards et al. 2015 PMID: 25741868, with internal and published modifications).

Blueprint Genetics
Classification: Likely benign. Last evaluated: 2024-07-19. Review status: criteria provided, single submitter. Criteria: ACMG Guidelines, 2015. Collection method: clinical testing. Allele origin: germline.

GeneDx
Classification: Likely benign. Last evaluated: 2019-12-13. Review status: criteria provided, single submitter. Criteria: GeneDx Variant Classification Process June 2021. Collection method: clinical testing. Allele origin: germline. Affected: yes.

Athena Diagnostics
Classification: Benign. Last evaluated: 2018-03-08. Review status: criteria provided, single submitter. Criteria: Athena Diagnostics Criteria. Collection method: clinical testing. Allele origin: germline.

Illumina Laboratory Services, Illumina
Classification: Uncertain significance for Febrile seizures, familial, 8. Last evaluated: 2018-01-12. Review status: criteria provided, single submitter. Criteria: ICSL Variant Classification Criteria 13 December 2019. Collection method: clinical testing. Allele origin: germline.